The following is an entry in ClinVar:

ClinVar aggregate classification (germline): Uncertain significance (1 of 4 stars; one submission).

Allele frequency attached by ClinVar (database versions not stated): gnomAD exomes below 0.00001; TOPMed below 0.00001.
gnomAD v4.1: 4 of 1,550,966 alleles (0.00026%); highest among the groups gnomAD compares: Admixed American, 0.0039%; no homozygotes.

Submission:

Labcorp Genetics (formerly Invitae), Labcorp
Classification: Uncertain significance. Last evaluated: 2022-06-08. Review status: criteria provided, single submitter. Criteria: Invitae Variant Classification Sherloc (09022015). Collection method: clinical testing. Allele origin: germline.
Comment: This sequence change replaces glutamic acid, which is acidic and polar, with aspartic acid, which is acidic and polar, at codon 1715 of the EYS protein (p.Glu1715Asp). This variant is present in population databases (no rsID available, gnomAD 0.004%). This variant has not been reported in the literature in individuals affected with EYS-related conditions. Algorithms developed to predict the effect of missense changes on protein structure and function output the following: SIFT: "Tolerated"; PolyPhen-2: "Possibly Damaging"; Align-GVGD: "Class C0". The aspartic acid amino acid residue is found in multiple mammalian species, which suggests that this missense change does not adversely affect protein function. In summary, the available evidence is currently insufficient to determine the role of this variant in disease. Therefore, it has been classified as a Variant of Uncertain Significance.

NM_001142800.2(EYS):c.5145G>T (p.Glu1715Asp)

Gene: EYS (eyes shut homolog; minus strand). Cytogenetic location: 6q12.
Variant type: single nucleotide variant.
Coding change: c.5145G>T on transcript NM_001142800.2 (MANE Select); coding-DNA position 5145, G replaced by T.
Protein change: p.Glu1715Asp; replaces glutamic acid 1715 with aspartic acid.
Molecular consequence: missense variant.
Genome position (GRCh38, 1-based): chr6:64,590,722, C>A on the plus strand (G>T on the coding strand, the complement: EYS is on the minus strand). VCF-style: chr6-64590722-C-A. GRCh37 (hg19) VCF-style: chr6-65300615-C-A.
Other names: c.5145G>T, p.Glu1715Asp (NM_001292009.2); short protein forms E1715D.
Identifiers: ClinVar variation 2159701 (VCV002159701.1), dbSNP rs1447177940, ClinGen allele CA364781753.